The following is an entry in ClinVar:

NM_016239.4(MYO15A):c.823G>A (p.Gly275Ser)

Gene: MYO15A (myosin XVA; plus strand). Cytogenetic location: 17p11.2.
Variant type: single nucleotide variant.
Coding change: c.823G>A on transcript NM_016239.4 (MANE Select); coding-DNA position 823, G replaced by A.
Protein change: p.Gly275Ser; replaces glycine 275 with serine.
Molecular consequence: missense variant.
Genome position (GRCh38, 1-based): chr17:18,119,623, G>A. VCF-style: chr17-18119623-G-A. GRCh37 (hg19) VCF-style: chr17-18022937-G-A.
Other names: short protein forms G275S.
Identifiers: ClinVar variation 1031961 (VCV001031961.6), dbSNP rs183969516, ClinGen allele CA8422941.

ClinVar aggregate classification (germline): Uncertain significance. Review status: criteria provided, multiple submitters, no conflicts (2 of 4 stars). 2 submissions from 2 submitters: Uncertain significance (2). Last evaluated 2022-03-10.

Conditions:
Autosomal recessive nonsyndromic hearing loss 3. Also called: NEUROSENSORY NONSYNDROMIC RECESSIVE DEAFNESS 3. Identifiers: Orphanet 90636, MedGen C1838263, MONDO:0010860, OMIM 600316.

Allele frequency attached by ClinVar (database versions not stated): TOPMed 0.00002.
gnomAD v4.1: 3 of 1,603,030 alleles (0.00019%); highest among the groups gnomAD compares: Non-Finnish European, 0.00025%; no homozygotes.

Submissions (2):

Labcorp Genetics (formerly Invitae), Labcorp
Classification: Uncertain significance. Last evaluated: 2022-03-10. Review status: criteria provided, single submitter. Criteria: Invitae Variant Classification Sherloc (09022015). Collection method: clinical testing. Allele origin: germline.
Comment: This sequence change replaces glycine, which is neutral and non-polar, with serine, which is neutral and polar, at codon 275 of the MYO15A protein (p.Gly275Ser). This variant is present in population databases (rs183969516, gnomAD 0.02%). This variant has not been reported in the literature in individuals affected with MYO15A-related conditions. ClinVar contains an entry for this variant (Variation ID: 1031961). Advanced modeling of protein sequence and biophysical properties (such as structural, functional, and spatial information, amino acid conservation, physicochemical variation, residue mobility, and thermodynamic stability) performed at Invitae indicates that this missense variant is not expected to disrupt MYO15A protein function. Algorithms developed to predict the effect of sequence changes on RNA splicing suggest that this variant may create or strengthen a splice site. In summary, the available evidence is currently insufficient to determine the role of this variant in disease. Therefore, it has been classified as a Variant of Uncertain Significance.

Baylor Genetics
Classification: Uncertain significance for Autosomal recessive nonsyndromic hearing loss 3. Last evaluated: 2018-02-13. Review status: criteria provided, single submitter. Criteria: ACMG Guidelines, 2015. Collection method: clinical testing. Allele origin: maternal. Affected: yes.
Comment: This variant was determined to be of uncertain significance according to ACMG Guidelines, 2015 [PMID:25741868].